The following is an entry in ClinVar:

NM_014915.3(ANKRD26):c.2673G>A (p.Met891Ile)

Gene: ANKRD26 (ankyrin repeat domain containing 26; minus strand). Cytogenetic location: 10p12.1.
Variant type: single nucleotide variant.
Coding change: c.2673G>A on transcript NM_014915.3 (MANE Select); coding-DNA position 2673, G replaced by A.
Protein change: p.Met891Ile; replaces methionine 891 with isoleucine.
Molecular consequence: missense variant.
Genome position (GRCh38, 1-based): chr10:27,037,210, C>T on the plus strand (G>A on the coding strand, the complement: ANKRD26 is on the minus strand). VCF-style: chr10-27037210-C-T. GRCh37 (hg19) VCF-style: chr10-27326139-C-T.
Other names: c.2670G>A, p.Met890Ile (NM_001256053.2); short protein forms M890I, M891I.
Identifiers: ClinVar variation 3296898 (VCV003296898.2).

ClinVar aggregate classification (germline): Uncertain significance (1 of 4 stars; one submission).

Conditions:
Inborn genetic diseases. Identifiers: MedGen C0950123, MeSH D030342.

gnomAD v4.1: 3 of 1,613,288 alleles (0.00019%); highest among the groups gnomAD compares: Non-Finnish European, 0.00025%; no homozygotes.

Submission:

Ambry Genetics
Classification: Uncertain significance for Inborn genetic diseases. Last evaluated: 2025-01-20. Review status: criteria provided, single submitter. Criteria: Ambry Variant Classification Scheme 2023. Collection method: clinical testing. Allele origin: germline.
Comment: The p.M891I variant (also known as c.2673G>A), located in coding exon 23 of the ANKRD26 gene, results from a G to A substitution at nucleotide position 2673. The methionine at codon 891 is replaced by isoleucine, an amino acid with highly similar properties. This amino acid position is conserved. In addition, this alteration is predicted to be tolerated by in silico analysis. Based on the available evidence, the clinical significance of this variant remains unclear.